The following is an entry in ClinVar:

NM_001378477.3(NYX):c.23-1_23delinsTT

Gene: NYX (nyctalopin; plus strand). Cytogenetic location: Xp11.4.
Variant type: Indel.
Coding change: c.23-1_23delinsTT on transcript NM_001378477.3 (MANE Select); the canonical splice acceptor site of the intron before coding-DNA position 23 through coding-DNA position 23, GC replaced by TT.
Molecular consequence: splice acceptor variant.
Genome position (GRCh38, 1-based): chrX:41,473,490-41,473,491, GC replaced by TT. VCF-style: chrX-41473490-GC-TT. GRCh37 (hg19) VCF-style: chrX-41332743-GC-TT.
Other names: c.23-1_23delinsTT (NM_022567.3).
Identifiers: ClinVar variation 496942 (VCV000496942.38), dbSNP rs1555967031, ClinGen allele CA658799719.

ClinVar aggregate classification (germline): Pathogenic/Likely pathogenic. Review status: criteria provided, multiple submitters, no conflicts (2 of 4 stars). 5 submissions from 5 submitters: Pathogenic (3); Likely pathogenic (1). 1 of the submissions does not count toward it. Last evaluated 2024-07-02.

Conditions:
NYX-related disorder. Also called: NYX-related condition.
Congenital stationary night blindness 1A (CSNB1A). Also called: NIGHT BLINDNESS, CONGENITAL STATIONARY, WITH MYOPIA; HEMERALOPIA-MYOPIA; MYOPIA-NIGHT BLINDNESS; NYX-Related X-Linked Congenital Stationary Night Blindness; Night blindness, congenital stationary (complete), 1A, X-linked; CSNB, COMPLETE, X-LINKED. Identifiers: Orphanet 215, MedGen C3495587, MONDO:0010690, OMIM 310500.

Submissions (5):

Blueprint Genetics
Classification: Pathogenic for NYX-related disorders. Last evaluated: 2024-07-02. Review status: criteria provided, single submitter. Criteria: ACMG Guidelines, 2015. Collection method: clinical testing. Allele origin: germline. Affected: yes. Observed: 3 variant alleles.

MGZ Medical Genetics Center
Classification: Likely pathogenic for Congenital stationary night blindness 1A. Last evaluated: 2022-06-08. Review status: criteria provided, single submitter. Criteria: ACMG Guidelines, 2015. Collection method: clinical testing. Allele origin: germline. Affected: yes. Observed: 1 variant allele.
Comment: ACMG criteria applied: PVS1, PM2_SUP

CeGaT Center for Human Genetics Tuebingen
Classification: Pathogenic. Last evaluated: 2019-08-01. Review status: criteria provided, single submitter. Criteria: CeGaT Center For Human Genetics Tuebingen Variant Classification Criteria Version 2. Collection method: clinical testing. Allele origin: germline. Affected: yes. Observed: 1 variant allele.

Eurofins Ntd Llc (ga)
Classification: Pathogenic. Last evaluated: 2014-12-23. Review status: criteria provided, single submitter. Criteria: EGL Classification Definitions 2015. Collection method: clinical testing. Allele origin: germline. Observed: 2 variant alleles, 1 heterozygote, 1 hemizygote.

PreventionGenetics, part of Exact Sciences
Classification: Pathogenic for NYX-related condition. Last evaluated: 2024-09-25. Review status: no assertion criteria provided. Collection method: clinical testing. Allele origin: germline. Not counted in ClinVar's aggregate classification.
Comment: The NYX c.38-1_38delinsTT variant is predicted to result in an in-frame deletion and insertion. This variant has been reported in the hemizygous state in individuals with congenital stationary night blindness (Kim et al. 2021. PubMed ID: 34064005; Moon et al. 2021. PubMed ID: 35052368). This variant has not been reported in a large population database, indicating this variant is rare. Variants that disrupt the consensus splice site are expected to be pathogenic. Given all the evidence, we interpret this variant as pathogenic.